The following is an entry in ClinVar:

ClinVar aggregate classification (germline): Benign (1 of 4 stars; one submission).

Allele frequency attached by ClinVar (database versions not stated): gnomAD 0.99240 and 0.99273; ESP Exome Variant Server 0.99257; gnomAD exomes 0.98964; TOPMed 0.99312; 1000 Genomes Project 0.99700; 1000 Genomes Project 30x 0.99719.
gnomAD v4.1: 1,595,811 of 1,611,992 alleles (99%); highest among the groups gnomAD compares: East Asian, 100%; 789,913 homozygotes.

Submission:

GeneDx
Classification: Benign. Last evaluated: 2018-06-14. Review status: criteria provided, single submitter. Criteria: GeneDx Variant Classification (06012015). Collection method: clinical testing. Allele origin: germline. Affected: yes.
Comment: This variant is considered likely benign or benign based on one or more of the following criteria: it is a conservative change, it occurs at a poorly conserved position in the protein, it is predicted to be benign by multiple in silico algorithms, and/or has population frequency not consistent with disease.

NM_182961.4(SYNE1):c.22347-52A>T

Gene: SYNE1 (spectrin repeat containing nuclear envelope protein 1; minus strand). Cytogenetic location: 6q25.2.
Variant type: single nucleotide variant.
Coding change: c.22347-52A>T on transcript NM_182961.4 (MANE Select); 52 bases into the intron before coding-DNA position 22347, A replaced by T.
Molecular consequence: intron variant.
Genome position (GRCh38, 1-based): chr6:152,213,811, T>A on the plus strand (A>T on the coding strand, the complement: SYNE1 is on the minus strand). VCF-style: chr6-152213811-T-A. GRCh37 (hg19) VCF-style: chr6-152534946-T-A.
Other names: c.22134-52A>T (NM_033071.5).
Identifiers: ClinVar variation 670209 (VCV000670209.1), dbSNP rs684807, ClinGen allele CA4053899.
Genomic context (GRCh38, chr6:152,213,811, plus strand): 5'-TGCAACTTGCTGAAAGAACAAAGGGCAAGGAACAATGGTTATTTCACTGCTTATTCTTAC[T>A]TCTCTAGCATATAAAACTAGATTAAATAATCTCTGTGCTCAATTCTAATTGAACCACCAC-3'